The following is an entry in ClinVar:

NM_000043.6(FAS):c.67G>A (p.Val23Ile)

Gene: FAS (Fas cell surface death receptor; plus strand). Cytogenetic location: 10q23.31.
Variant type: single nucleotide variant.
Coding change: c.67G>A on transcript NM_000043.6 (MANE Select); coding-DNA position 67, G replaced by A.
Protein change: p.Val23Ile; replaces valine 23 with isoleucine.
Molecular consequence: missense variant. On other transcripts: non-coding transcript variant (7).
Genome position (GRCh38, 1-based): chr10:89,003,065, G>A. VCF-style: chr10-89003065-G-A. GRCh37 (hg19) VCF-style: chr10-90762822-G-A.
Other names: c.112G>A, p.Val38Ile (NM_001410956.1); c.67G>A, p.Val23Ile (NM_152871.4, NM_152872.4, NM_001320619.2); short protein forms V23I, V38I.
Identifiers: ClinVar variation 2723129 (VCV002723129.4), dbSNP rs779039838, ClinGen allele CA211325363.
Genomic context (GRCh38, chr10:89,003,065, plus strand): 5'-TCTCTTCATGCTTTTATTTTACAGGTTCTTACGTCTGTTGCTAGATTATCGTCCAAAAGT[G>A]TTAATGCCCAAGTGACTGACATCAACTCCAAGGGATTGGAATTGAGGAAGACTGTTACTA-3'
Protein context (NP_000034.1, residues 13-33): TSVARLSSKS[Val23Ile]NAQVTDINSK

ClinVar aggregate classification (germline): Uncertain significance. Review status: criteria provided, multiple submitters, no conflicts (2 of 4 stars). 2 submissions from 2 submitters: Uncertain significance (2). Last evaluated 2024-11-27.

Conditions:
Autoimmune lymphoproliferative syndrome type 1. Also called: AUTOIMMUNE LYMPHOPROLIFERATIVE SYNDROME, TYPE I, AUTOSOMAL DOMINANT. Identifiers: Orphanet 3261, MedGen C2717884, MONDO:0011158, OMIM 601859.
Inborn genetic diseases. Identifiers: MedGen C0950123, MeSH D030342.

Allele frequency attached by ClinVar (database versions not stated): gnomAD 0.00009; TOPMed 0.00009.
gnomAD v4.1: 22 of 1,614,010 alleles (0.0014%); highest among the groups gnomAD compares: African/African-American, 0.023%; no homozygotes.

Submissions (2):

Labcorp Genetics (formerly Invitae), Labcorp
Classification: Uncertain significance for Autoimmune lymphoproliferative syndrome. Last evaluated: 2024-11-27. Review status: criteria provided, single submitter. Criteria: Invitae Variant Classification Sherloc (09022015). Collection method: clinical testing. Allele origin: germline.
Comment: This sequence change replaces valine, which is neutral and non-polar, with isoleucine, which is neutral and non-polar, at codon 23 of the FAS protein (p.Val23Ile). This variant is present in population databases (no rsID available, gnomAD 0.007%). This variant has not been reported in the literature in individuals affected with FAS-related conditions. ClinVar contains an entry for this variant (Variation ID: 2723129). An algorithm developed to predict the effect of missense changes on protein structure and function outputs the following: PolyPhen-2: "Benign". The isoleucine amino acid residue is found in multiple mammalian species, which suggests that this missense change does not adversely affect protein function. In summary, the available evidence is currently insufficient to determine the role of this variant in disease. Therefore, it has been classified as a Variant of Uncertain Significance.

Ambry Genetics
Classification: Uncertain significance for Inborn genetic diseases. Last evaluated: 2023-12-27. Review status: criteria provided, single submitter. Criteria: Ambry Variant Classification Scheme 2023. Collection method: clinical testing. Allele origin: germline.